The following is an entry in ClinVar:

NM_000245.4(MET):c.1848_1849delinsTT (p.Glu616_Ser617delinsAspCys)

Gene: MET (MET proto-oncogene, receptor tyrosine kinase; plus strand). Cytogenetic location: 7q31.2.
Variant type: Indel.
Coding change: c.1848_1849delinsTT on transcript NM_000245.4 (MANE Select); coding-DNA positions 1848 to 1849, GA replaced by TT.
Protein change: p.Glu616_Ser617delinsAspCys.
Molecular consequence: missense variant.
Genome position (GRCh38, 1-based): chr7:116,755,501-116,755,502, GA replaced by TT. VCF-style: chr7-116755501-GA-TT. GRCh37 (hg19) VCF-style: chr7-116395555-GA-TT.
Other names: c.1848_1849delinsTT, p.Glu616_Ser617delinsAspCys (NM_001127500.3, NM_001324401.3); c.558_559delinsTT, p.Glu186_Ser187delinsAspCys (NM_001324402.2); c.1848_1849delGAinsTT (NM_001127500.1).
Identifiers: ClinVar variation 853254 (VCV000853254.14), dbSNP rs1794145066, ClinGen allele CA916082307.

ClinVar aggregate classification (germline): Uncertain significance. Review status: criteria provided, multiple submitters, no conflicts (2 of 4 stars). 3 submissions from 3 submitters: Uncertain significance (3). Last evaluated 2025-07-07.

Conditions:
Renal cell carcinoma. Identifiers: Orphanet 217071, MedGen C0007134, MeSH D002292, MONDO:0005086, HP:0005584.
Hereditary cancer-predisposing syndrome. Also called: Neoplastic Syndromes, Hereditary; Hereditary Cancer Syndrome; Tumor predisposition; Hereditary neoplastic syndrome. Identifiers: Orphanet 140162, MedGen C0027672, MeSH D009386, MONDO:0015356.

Submissions (3):

Labcorp Genetics (formerly Invitae), Labcorp
Classification: Uncertain significance for Renal cell carcinoma. Last evaluated: 2025-07-07. Review status: criteria provided, single submitter. Criteria: Invitae Variant Classification Sherloc (09022015). Collection method: clinical testing. Allele origin: germline.
Comment: This variant, c.1848_1849delinsTT, is a complex sequence change that results in the deletion of 2 and insertion of 2 amino acid(s) in the MET protein (p.Glu616_Ser617delinsAspCys). Information on the frequency of this variant in the gnomAD database is not available, as this variant may be reported differently in the database. This variant has not been reported in the literature in individuals affected with MET-related conditions. ClinVar contains an entry for this variant (Variation ID: 853254). Experimental studies and prediction algorithms are not available or were not evaluated, and the functional significance of this variant is currently unknown. In summary, the available evidence is currently insufficient to determine the role of this variant in disease. Therefore, it has been classified as a Variant of Uncertain Significance.

Ambry Genetics
Classification: Uncertain significance for Hereditary cancer-predisposing syndrome. Last evaluated: 2024-07-29. Review status: criteria provided, single submitter. Criteria: Ambry Variant Classification Scheme 2023. Collection method: clinical testing. Allele origin: germline.
Comment: The c.1848_1849delGAinsTT variant (also known as p.E616_S617delinsDC), located in coding exon 5 of the MET gene, results from an in-frame deletion of GA and insertion of TT at nucleotide positions 1848 to 1849. This results in the substitution of glutamic acid and serine residues for aspartic acid and cysteine residues at codons 616 and 617. This amino acid region is well conserved in available vertebrate species. In addition, the in silico prediction for this alteration is inconclusive (Choi Y et al. PLoS ONE. 2012; 7(10):e46688). Based on the available evidence, the clinical significance of this variant remains unclear.

GeneDx
Classification: Uncertain significance. Last evaluated: 2023-10-19. Review status: criteria provided, single submitter. Criteria: GeneDx Variant Classification Process June 2021. Collection method: clinical testing. Allele origin: germline. Affected: yes.
Comment: Not observed at significant frequency in large population cohorts (gnomAD); In silico analysis supports a deleterious effect on protein structure/function; Has not been previously published as pathogenic or benign to our knowledge